The following is an entry in ClinVar:

NM_002225.5(IVD):c.693dup (p.Pro232fs)

Gene: IVD (isovaleryl-CoA dehydrogenase; plus strand). Cytogenetic location: 15q15.1.
Variant type: Duplication.
Coding change: c.693dup on transcript NM_002225.5 (MANE Select); coding-DNA position 693, one base duplicated (G; older notation c.693dupG).
Protein change: p.Pro232fs; shifts the reading frame from proline 232.
Molecular consequence: frameshift variant. On other transcripts: non-coding transcript variant (1).
Genome position (GRCh38, 1-based): chr15:40,412,996, G duplicated. VCF-style (leftmost placement, unchanged base first): chr15-40412995-T-TG. GRCh37 (hg19) VCF-style: chr15-40705194-T-TG.
Other names: c.603dup, p.Pro202fs (NM_001159508.3); c.645dup, p.Pro216fs (NM_001354597.3); c.693dup, p.Pro232fs (NM_001354598.3, NM_001354601.3); c.780dup, p.Pro261fs (NM_001354599.3, NM_001354600.3); short protein forms P202fs, P216fs, P232fs, P261fs.
Identifiers: ClinVar variation 1724852 (VCV001724852.2), dbSNP rs2542713682, ClinGen allele CA2580089344.
Genomic context (GRCh38, chr15:40,412,995, plus strand): 5'-ACCAGGCCCCCTTGGGGCTAATCTGTAACCAGGACCACCTTTTGTTTCCTGTAAAGGGTA[T>TG]GCCTGGCTTTAGCACCTCTAAGAAGCTGGACAAGCTGGGGATGAGGGGCTCTAACACCTG-3'

ClinVar aggregate classification (germline): Likely pathogenic (1 of 4 stars; one submission).

Conditions:
Isovaleryl-CoA dehydrogenase deficiency (IVA). Also called: ISOVALERIC ACID CoA DEHYDROGENASE DEFICIENCY; Classic Isovaleric Acidemia; Isovaleric acidemia; IVD DEFICIENCY. Identifiers: Orphanet 33, MedGen C0268575, MONDO:0009475, OMIM 243500.

Submission:

Myriad Genetics, Inc.
Classification: Likely pathogenic for Isovaleryl-CoA dehydrogenase deficiency. Last evaluated: 2022-03-01. Review status: criteria provided, single submitter. Criteria: Myriad Women's Health Autosomal Recessive and X-Linked Classification Criteria (2021). Collection method: clinical testing. Allele origin: unknown.
Comment: NM_002225.3(IVD):c.702dupG(P235Afs*4) is expected to be pathogenic in the context of isovaleric acidemia. This variant is predicted to lead to an abnormal or absent protein product due to the creation of a premature termination codon in IVD, a gene where loss-of-function variants are known to be pathogenic. Please note: this variant was assessed in the context of healthy population screening.